The following is an entry in ClinVar:

NM_001286445.3(RIPOR2):c.1714T>A (p.Ser572Thr)

Gene: RIPOR2 (RHO family interacting cell polarization regulator 2; minus strand). Cytogenetic location: 6p22.3.
Variant type: single nucleotide variant.
Coding change: c.1714T>A on transcript NM_001286445.3 (MANE Select); coding-DNA position 1714, T replaced by A.
Protein change: p.Ser572Thr; replaces serine 572 with threonine.
Molecular consequence: missense variant.
Genome position (GRCh38, 1-based): chr6:24,843,005, A>T on the plus strand (T>A on the coding strand, the complement: RIPOR2 is on the minus strand). VCF-style: chr6-24843005-A-T. GRCh37 (hg19) VCF-style: chr6-24843233-A-T.
Other names: c.1729T>A, p.Ser577Thr (NM_001286446.3); c.1627T>A, p.Ser543Thr (NM_001286447.2, NM_001346031.2, NM_001346032.2 and 1 more transcripts); c.1777T>A, p.Ser593Thr (NM_014722.5); short protein forms S543T, S572T, S577T, S593T.
Identifiers: ClinVar variation 4082547 (VCV004082547.2).

ClinVar aggregate classification (germline): Uncertain significance (1 of 4 stars; one submission).

gnomAD v4.1: 1 of 1,594,440 alleles (0.000063%); highest among the groups gnomAD compares: Admixed American, 0.0018%; no homozygotes.

Submission:

GeneDx
Classification: Uncertain significance. Last evaluated: 2026-01-27. Review status: criteria provided, single submitter. Criteria: GeneDx Variant Classification Process June 2021. Collection method: clinical testing. Allele origin: germline.
Comment: In silico analysis suggests that this missense variant does not alter protein structure/function; Has not been previously published as pathogenic or benign to our knowledge